The following is an entry in ClinVar:

NM_001130144.3(LTBP3):c.3031G>T (p.Val1011Leu)

Genes: LTBP3 (latent transforming growth factor beta binding protein 3; minus strand), LOC121832793 (Sharpr-MPRA regulatory region 4001; plus strand). Cytogenetic location: 11q13.1.
Variant type: single nucleotide variant.
Coding change: c.3031G>T on transcript NM_001130144.3 (MANE Select); coding-DNA position 3031, G replaced by T.
Protein change: p.Val1011Leu; replaces valine 1011 with leucine.
Molecular consequence: missense variant.
Genome position (GRCh38, 1-based): chr11:65,540,561, C>A on the plus strand (G>T on the coding strand, the complement: LTBP3 is on the minus strand). VCF-style: chr11-65540561-C-A. GRCh37 (hg19) VCF-style: chr11-65308032-C-A.
Other names: c.2680G>T, p.Val894Leu (NM_001164266.1); c.3031G>T, p.Val1011Leu (NM_021070.4); c.3031G>T (NM_001130144.2); short protein forms V1011L, V894L.
Identifiers: ClinVar variation 1442618 (VCV001442618.7), dbSNP rs2135122386, ClinGen allele CA381267816.

ClinVar aggregate classification (germline): Uncertain significance. Review status: criteria provided, multiple submitters, no conflicts (2 of 4 stars). 2 submissions from 2 submitters: Uncertain significance (2). Last evaluated 2023-06-09.

Conditions:
Inborn genetic diseases. Identifiers: MedGen C0950123, MeSH D030342.
Brachyolmia-amelogenesis imperfecta syndrome. Also called: PLATYSPONDYLY WITH AMELOGENESIS IMPERFECTA; Tooth agenesis, selective, 6; Dental anomalies and short stature. Identifiers: Orphanet 2899, MedGen C1832594, MONDO:0011018, OMIM 601216. Disease mechanism: loss of function.

gnomAD v4.1: 2 of 1,613,890 alleles (0.00012%); highest among the groups gnomAD compares: Middle Eastern, 0.016%; no homozygotes.

Submissions (2):

Ambry Genetics
Classification: Uncertain significance for Inborn genetic diseases. Last evaluated: 2023-06-09. Review status: criteria provided, single submitter. Criteria: Ambry Variant Classification Scheme 2023. Collection method: clinical testing. Allele origin: germline.
Comment: The p.V1011L variant (also known as c.3031G>T), located in coding exon 22 of the LTBP3 gene, results from a G to T substitution at nucleotide position 3031. The valine at codon 1011 is replaced by leucine, an amino acid with highly similar properties. This amino acid position is conserved. In addition, the in silico prediction for this alteration is inconclusive. Since supporting evidence is limited at this time, the clinical significance of this alteration remains unclear.

Labcorp Genetics (formerly Invitae), Labcorp
Classification: Uncertain significance for Brachyolmia-amelogenesis imperfecta syndrome. Last evaluated: 2021-10-25. Review status: criteria provided, single submitter. Criteria: Invitae Variant Classification Sherloc (09022015). Collection method: clinical testing. Allele origin: germline.
Comment: This sequence change replaces valine with leucine at codon 1011 of the LTBP3 protein (p.Val1011Leu). The valine residue is highly conserved and there is a small physicochemical difference between valine and leucine. This variant is not present in population databases (ExAC no frequency). This variant has not been reported in the literature in individuals affected with LTBP3-related conditions. Algorithms developed to predict the effect of missense changes on protein structure and function are either unavailable or do not agree on the potential impact of this missense change (SIFT: "Tolerated"; PolyPhen-2: "Possibly Damaging"; Align-GVGD: "Class C0"). In summary, the available evidence is currently insufficient to determine the role of this variant in disease. Therefore, it has been classified as a Variant of Uncertain Significance.